The following is an entry in ClinVar:

ClinVar aggregate classification (germline): Uncertain significance (1 of 4 stars; one submission).

Conditions:
Duchenne muscular dystrophy (DMD). Also called: MUSCULAR DYSTROPHY, PSEUDOHYPERTROPHIC PROGRESSIVE, DUCHENNE TYPE; Duchenne Muscular Dystrophy (DMD). Identifiers: Orphanet 98896, MedGen C0013264, MONDO:0010679, OMIM 310200.

Submission:

Labcorp Genetics (formerly Invitae), Labcorp
Classification: Uncertain significance for Duchenne muscular dystrophy. Last evaluated: 2022-08-20. Review status: criteria provided, single submitter. Criteria: Invitae Variant Classification Sherloc (09022015). Collection method: clinical testing. Allele origin: germline.
Comment: This sequence change replaces glutamic acid, which is acidic and polar, with glycine, which is neutral and non-polar, at codon 1353 of the DMD protein (p.Glu1353Gly). This variant is not present in population databases (gnomAD no frequency). In summary, the available evidence is currently insufficient to determine the role of this variant in disease. Therefore, it has been classified as a Variant of Uncertain Significance. Algorithms developed to predict the effect of missense changes on protein structure and function (SIFT, PolyPhen-2, Align-GVGD) all suggest that this variant is likely to be disruptive. This variant has not been reported in the literature in individuals affected with DMD-related conditions.

NM_004006.3(DMD):c.4058A>G (p.Glu1353Gly)

Gene: DMD (dystrophin; minus strand). Cytogenetic location: Xp21.1.
Variant type: single nucleotide variant.
Coding change: c.4058A>G on transcript NM_004006.3 (MANE Select); coding-DNA position 4058, A replaced by G.
Protein change: p.Glu1353Gly; replaces glutamic acid 1353 with glycine.
Molecular consequence: missense variant.
Genome position (GRCh38, 1-based): chrX:32,438,254, T>C on the plus strand (A>G on the coding strand, the complement: DMD is on the minus strand). VCF-style: chrX-32438254-T-C. GRCh37 (hg19) VCF-style: chrX-32456371-T-C.
Other names: c.4034A>G, p.Glu1345Gly (NM_000109.4); c.4046A>G, p.Glu1349Gly (NM_004009.3); c.3689A>G, p.Glu1230Gly (NM_004010.3); short protein forms E1230G, E1345G, E1349G, E1353G.
Identifiers: ClinVar variation 1717149 (VCV001717149.6), dbSNP rs2524071278, ClinGen allele CA412669227.